The following is an entry in ClinVar:

NM_000238.4(KCNH2):c.1663T>C (p.Cys555Arg)

Gene: KCNH2 (potassium voltage-gated channel subfamily H member 2; minus strand). Cytogenetic location: 7q36.1.
Variant type: single nucleotide variant.
Coding change: c.1663T>C on transcript NM_000238.4 (MANE Select); coding-DNA position 1663, T replaced by C.
Protein change: p.Cys555Arg; replaces cysteine 555 with arginine.
Molecular consequence: missense variant. On other transcripts: non-coding transcript variant (2).
Genome position (GRCh38, 1-based): chr7:150,951,730, A>G on the plus strand (T>C on the coding strand, the complement: KCNH2 is on the minus strand). VCF-style: chr7-150951730-A-G. GRCh37 (hg19) VCF-style: chr7-150648818-A-G.
Other names: c.643T>C, p.Cys215Arg (NM_001204798.2, NM_172057.3); c.1375T>C, p.Cys459Arg (NM_001406753.1, NM_001406756.1); c.1486T>C, p.Cys496Arg (NM_001406755.1); c.1363T>C, p.Cys455Arg (NM_001406757.1); c.1663T>C, p.Cys555Arg (NM_172056.3); short protein forms C215R, C455R, C459R, C496R, C555R.
Identifiers: ClinVar variation 3064233 (VCV003064233.2), dbSNP rs2486039255, ClinGen allele CA369858884.

ClinVar aggregate classification (germline): Likely pathogenic (1 of 4 stars; one submission).

Conditions:
Long QT syndrome 2 (LQT2). Identifiers: Orphanet 101016, Orphanet 768, MedGen C3150943, MONDO:0013367, OMIM 613688.

Submission:

Pediatric Genomics Discovery Program, Yale University
Classification: Likely pathogenic for Long QT syndrome 2. Last evaluated: 2024-03-15. Review status: criteria provided, single submitter. Criteria: ACMG Guidelines, 2015. Collection method: research, in vitro. Allele origin: germline, not applicable. Inheritance: Autosomal dominant inheritance. Affected: yes. Observed: 3 variant alleles, 3 heterozygotes. Clinical features observed: Prolonged QT interval (HP:0001657). Functional consequence: loss_of_function_variant.
Comment: The C555R variant is absent from a large population database, indicating it is a rare variant. The C555R variant is a non-conservative amino acid substitution which may be likely to cause structural deficiencies Multiple in silico analyses predict the C555R variant is probably damaging to the protein structure/function. The C555R variant is localized to the S5 helical transmembrane domain. It is at the same locus as an existing likely pathogenic classified variant, C555Y. The C555R variant was recently published in association with a Long QT Syndrome phenotype in two affected individuals with recurrent syncopal events. Additionally, in vitro functional studies using Western blot, on-cell Westerns, and patch clamp analysis show that C555R results in lower KCNH2 channel protein expression, lack of proper localization to the cell surface, and loss of channel function with a partially dominant-negative effect on co-expressed wildtype channel current (Beidokhti et al., 2021). Therefore, this variant is likely pathogenic.

Literature cited by the submitters: PubMed 33876311.